The following is an entry in ClinVar:

ClinVar aggregate classification (germline): Benign. Review status: criteria provided, multiple submitters, no conflicts (2 of 4 stars). 12 submissions from 10 submitters: Benign (10). 2 of the submissions do not count toward it. Last evaluated 2026-02-04.

Conditions:
Retinitis pigmentosa 35 (RP35). Identifiers: Orphanet 791, MedGen C1853214, MONDO:0012463, OMIM 610282.
Cone-rod dystrophy 10 (CORD10). Identifiers: Orphanet 1872, MedGen C1846529, MONDO:0012464, OMIM 610283.
Retinal dystrophy. Also called: Inherited retinal dystrophy. Identifiers: Orphanet 71862, MedGen C0854723, MeSH D058499, MONDO:0019118, HP:0000556.
Retinitis pigmentosa (RP). Identifiers: Orphanet 791, MedGen C0035334, MeSH D012174, MONDO:0019200, OMIM 268000. Inheritance: Autosomal dominant, autosomal recessive and X linked inheritance.

Allele frequency attached by ClinVar (database versions not stated): 1000 Genomes Project 0.43091; 1000 Genomes Project 30x 0.43348; TOPMed 0.51336; gnomAD 0.51833 and 0.52167; ExAC 0.52725; gnomAD exomes 0.52727 and 0.56975; ESP Exome Variant Server 0.53175.

Submissions (12):

Labcorp Genetics (formerly Invitae), Labcorp
Classification: Benign. Last evaluated: 2026-02-04. Review status: criteria provided, single submitter. Criteria: Invitae Variant Classification Sherloc (09022015). Collection method: clinical testing. Allele origin: germline.

Blueprint Genetics
Classification: Benign. Last evaluated: 2024-11-26. Review status: criteria provided, single submitter. Criteria: ACMG Guidelines, 2015. Collection method: clinical testing. Allele origin: germline.

Dept Of Ophthalmology, Nagoya University
Classification: Benign for Retinal dystrophy. Last evaluated: 2023-10-01. Review status: criteria provided, single submitter. Criteria: Submitter's publication. Collection method: research. Allele origin: germline. Affected: yes.

Genome-Nilou Lab
Classification: Benign for Cone-rod dystrophy 10. Last evaluated: 2021-07-15. Review status: criteria provided, single submitter. Criteria: ACMG Guidelines, 2015. Collection method: clinical testing. Allele origin: germline. Affected: no.

Genome-Nilou Lab
Classification: Benign for Retinitis pigmentosa 35. Last evaluated: 2021-07-15. Review status: criteria provided, single submitter. Criteria: ACMG Guidelines, 2015. Collection method: clinical testing. Allele origin: germline. Affected: no.

GeneDx
Classification: Benign. Last evaluated: 2018-05-14. Review status: criteria provided, single submitter. Criteria: GeneDx Variant Classification (06012015). Collection method: clinical testing. Allele origin: germline. Affected: yes.
Comment: This variant is considered likely benign or benign based on one or more of the following criteria: it is a conservative change, it occurs at a poorly conserved position in the protein, it is predicted to be benign by multiple in silico algorithms, and/or has population frequency not consistent with disease.

Illumina Laboratory Services, Illumina
Classification: Benign for Cone-rod dystrophy 10. Last evaluated: 2018-01-13. Review status: criteria provided, single submitter. Criteria: ICSL Variant Classification Criteria 13 December 2019. Collection method: clinical testing. Allele origin: germline.
Comment: This variant was observed in the ICSL laboratory as part of a predisposition screen in an ostensibly healthy population. It had not been previously curated by ICSL or reported in the Human Gene Mutation Database (HGMD: prior to June 1st, 2018), and was therefore a candidate for classification through an automated scoring system. Utilizing variant allele frequency, disease prevalence and penetrance estimates, and inheritance mode, an automated score was calculated to assess if this variant is too frequent to cause the disease. Based on the score and internal cut-off values, a variant classified as benign is not then subjected to further curation. The score for this variant resulted in a classification of benign for this disease.

Illumina Laboratory Services, Illumina
Classification: Benign for Retinitis pigmentosa. Last evaluated: 2018-01-13. Review status: criteria provided, single submitter. Criteria: ICSL Variant Classification Criteria 13 December 2019. Collection method: clinical testing. Allele origin: germline.
Comment: the same text as in the submission from Illumina Laboratory Services, Illumina above.

Breakthrough Genomics
Classification: Benign. Review status: criteria provided, single submitter. Criteria: ACMG Guidelines, 2015. Collection method: not provided. Allele origin: germline. Inheritance: Autosomal recessive inheritance. Affected: yes.

PreventionGenetics, part of Exact Sciences
Classification: Benign. Review status: criteria provided, single submitter. Criteria: ACMG Guidelines, 2015. Collection method: clinical testing. Allele origin: germline.

Diagnostic Laboratory, Department of Genetics, University Medical Center Groningen
Classification: Benign. Review status: no assertion criteria provided. Collection method: clinical testing. Allele origin: germline. Affected: yes. Study: VKGL Data-share Consensus. Not counted in ClinVar's aggregate classification.

Joint Genome Diagnostic Labs from Nijmegen and Maastricht, Radboudumc and MUMC+
Classification: Benign. Review status: no assertion criteria provided. Collection method: clinical testing. Allele origin: germline. Affected: yes. Study: VKGL Data-share Consensus. Not counted in ClinVar's aggregate classification.

NM_022367.4(SEMA4A):c.1716C>T (p.Pro572=)

Gene: SEMA4A (semaphorin 4A; plus strand). Cytogenetic location: 1q22.
Variant type: single nucleotide variant.
Coding change: c.1716C>T on transcript NM_022367.4 (MANE Select); coding-DNA position 1716, C replaced by T.
Protein change: p.Pro572=; no amino-acid change (proline 572 retained).
Molecular consequence: synonymous variant.
Genome position (GRCh38, 1-based): chr1:156,176,427, C>T. VCF-style: chr1-156176427-C-T. GRCh37 (hg19) VCF-style: chr1-156146218-C-T.
Other names: c.1716C>T, p.Pro572= (NM_001193300.2, NM_001193301.2, NM_001370567.1); c.1320C>T, p.Pro440= (NM_001193302.2); c.1419C>T, p.Pro473= (NM_001370568.1); c.1209C>T, p.Pro403= (NM_001370569.1, NM_001370571.1).
Identifiers: ClinVar variation 261576 (VCV000261576.26), dbSNP rs12401573, ClinGen allele CA1155448.
Genomic context (GRCh38, chr1:156,176,427, plus strand): 5'-TCTCCCTTAACCCTTTTGCTCCTTTCTTTCTCCTACAGTTAAAGAAGTCCTGGCTGTCCC[C>T]AACTCCATCCTGGAGCTCCCCTGCCCCCACCTGTCAGCCTTGGCCTCTTATTATTGGAGT-3'
Protein context (NP_071762.2, residues 562-582): PQIIKEVLAV[Pro572=]NSILELPCPH